The following is an entry in ClinVar:

NM_014254.3(RXYLT1):c.469G>A (p.Val157Ile)

Gene: RXYLT1 (ribitol xylosyltransferase 1; plus strand). Cytogenetic location: 12q14.2.
Variant type: single nucleotide variant.
Coding change: c.469G>A on transcript NM_014254.3 (MANE Select); coding-DNA position 469, G replaced by A.
Protein change: p.Val157Ile; replaces valine 157 with isoleucine.
Molecular consequence: missense variant. On other transcripts: 5 prime UTR variant (1).
Genome position (GRCh38, 1-based): chr12:63,802,131, G>A. VCF-style: chr12-63802131-G-A. GRCh37 (hg19) VCF-style: chr12-64195911-G-A.
Other names: p.Val157Ile; c.-312G>A (NM_001278237.2); short protein forms V157I.
Identifiers: ClinVar variation 130596 (VCV000130596.20), dbSNP rs114036100, ClinGen allele CA155731.

ClinVar aggregate classification (germline): Benign. Review status: criteria provided, multiple submitters, no conflicts (2 of 4 stars). 7 submissions from 7 submitters: Benign (6). 1 of the submissions does not count toward it. Last evaluated 2026-02-03.

Allele frequency attached by ClinVar (database versions not stated): gnomAD 0.01144 and 0.01062; TOPMed 0.01200; ESP Exome Variant Server 0.01338; ExAC 0.00349; 1000 Genomes Project 30x 0.00843; 1000 Genomes Project 0.00879; gnomAD exomes 0.00103 and 0.00267.
gnomAD v4.1: 3,170 of 1,612,092 alleles (0.2%); highest among the groups gnomAD compares: African/African-American, 3.6%; 42 homozygotes.

Submissions (7):

Labcorp Genetics (formerly Invitae), Labcorp
Classification: Benign. Last evaluated: 2026-02-03. Review status: criteria provided, single submitter. Criteria: Invitae Variant Classification Sherloc (09022015). Collection method: clinical testing. Allele origin: germline.

Mayo Clinic Laboratories, Mayo Clinic
Classification: Benign. Last evaluated: 2025-05-27. Review status: criteria provided, single submitter. Criteria: ACMG Guidelines, 2015. Collection method: clinical testing. Allele origin: germline. Observed: 1 variant allele.
Comment: BS1, BS2, BP4_moderate

Athena Diagnostics
Classification: Benign. Last evaluated: 2020-01-13. Review status: criteria provided, single submitter. Criteria: Athena Diagnostics Criteria. Collection method: clinical testing. Allele origin: unknown.

GeneDx
Classification: Benign. Last evaluated: 2016-06-16. Review status: criteria provided, single submitter. Criteria: GeneDx Variant Classification (06012015). Collection method: clinical testing. Allele origin: germline. Affected: yes.
Comment: This variant is considered likely benign or benign based on one or more of the following criteria: it is a conservative change, it occurs at a poorly conserved position in the protein, it is predicted to be benign by multiple in silico algorithms, and/or has population frequency not consistent with disease.

Breakthrough Genomics
Classification: Benign. Review status: criteria provided, single submitter. Criteria: ACMG Guidelines, 2015. Collection method: not provided. Allele origin: germline. Inheritance: Autosomal recessive inheritance. Affected: yes.

PreventionGenetics, part of Exact Sciences
Classification: Benign. Review status: criteria provided, single submitter. Criteria: ACMG Guidelines, 2015. Collection method: clinical testing. Allele origin: germline.

Genetic Services Laboratory, University of Chicago
Classification: Likely benign for AllHighlyPenetrant. Review status: no assertion criteria provided. Collection method: clinical testing. Allele origin: germline. Inheritance: Autosomal recessive inheritance. Not counted in ClinVar's aggregate classification.
Comment: Likely benign based on allele frequency in 1000 Genomes Project or ESP global frequency and its presence in a patient with a rare or unrelated disease phenotype. NOT Sanger confirmed.